The following is an entry in ClinVar:

NM_005660.3(SLC35A2):c.803C>T (p.Thr268Ile)

Gene: SLC35A2 (solute carrier family 35 member A2; minus strand). Cytogenetic location: Xp11.23.
Variant type: single nucleotide variant.
Coding change: c.803C>T on transcript NM_005660.3 (MANE Select); coding-DNA position 803, C replaced by T.
Protein change: p.Thr268Ile; replaces threonine 268 with isoleucine.
Molecular consequence: missense variant. On other transcripts: intron variant (3).
Genome position (GRCh38, 1-based): chrX:48,905,106, G>A on the plus strand (C>T on the coding strand, the complement: SLC35A2 is on the minus strand). VCF-style: chrX-48905106-G-A. GRCh37 (hg19) VCF-style: chrX-48762383-G-A.
Other names: c.803C>T, p.Thr268Ile (NM_001042498.3); c.620C>T, p.Thr207Ile (NM_001282649.2); c.842C>T, p.Thr281Ile (NM_001282650.2); c.887C>T, p.Thr296Ile (NM_001282651.2); c.427-214C>T (NM_001282647.2, NM_001032289.3); c.355-214C>T (NM_001282648.2); short protein forms T207I, T268I, T281I, T296I.
Identifiers: ClinVar variation 1334694 (VCV001334694.4), dbSNP rs2147486594, ClinGen allele CA412895182.

ClinVar aggregate classification (germline): Likely pathogenic (1 of 4 stars; one submission).

Conditions:
SLC35A2-congenital disorder of glycosylation. Also called: EPILEPTIC ENCEPHALOPATHY, EARLY INFANTILE, 22; CONGENITAL DISORDER OF GLYCOSYLATION, TYPE IIm; CDG IIm; CONGENITAL DISORDER OF GLYCOSYLATION, TYPE IIm, SOMATIC MOSAIC; DEVELOPMENTAL AND EPILEPTIC ENCEPHALOPATHY 22; SLC35A2-CDG. Identifiers: Orphanet 356961, MedGen C3806688, MONDO:0010478, OMIM 300896.

Submission:

Greenwood Genetic Center Diagnostic Laboratories, Greenwood Genetic Center
Classification: Likely pathogenic for SLC35A2-congenital disorder of glycosylation. Last evaluated: 2021-12-14. Review status: criteria provided, single submitter. Criteria: ACMG Guidelines, 2015. Collection method: clinical testing. Allele origin: germline. Affected: yes.
Comment: PS2, PM2